The following is an entry in ClinVar:

ClinVar aggregate classification (germline): Likely benign. Review status: criteria provided, multiple submitters, no conflicts (2 of 4 stars). 2 submissions from 2 submitters: Likely benign (2). Last evaluated 2026-07-01.

Allele frequency attached by ClinVar (database versions not stated): gnomAD 0.00001; TOPMed 0.00002; ExAC 0.00009; gnomAD exomes 0.00011.
gnomAD v4.1: 53 of 1,613,580 alleles (0.0033%); highest among the groups gnomAD compares: Admixed American, 0.033%; no homozygotes.

Submissions (2):

CeGaT Center for Human Genetics Tuebingen
Classification: Likely benign. Last evaluated: 2026-07-01. Review status: criteria provided, single submitter. Criteria: CeGaT Center For Human Genetics Tuebingen Variant Classification Criteria Version 2. Collection method: clinical testing. Allele origin: germline. Affected: yes. Observed: 1 variant allele.
Comment: SPART: BP4, BP7

Labcorp Genetics (formerly Invitae), Labcorp
Classification: Likely benign. Last evaluated: 2025-12-13. Review status: criteria provided, single submitter. Criteria: Invitae Variant Classification Sherloc (09022015). Collection method: clinical testing. Allele origin: germline.

NM_015087.5(SPART):c.1938C>T (p.Asn646=)

Gene: SPART (spartin; minus strand). Cytogenetic location: 13q13.3.
Variant type: single nucleotide variant.
Coding change: c.1938C>T on transcript NM_015087.5 (MANE Select); coding-DNA position 1938, C replaced by T.
Protein change: p.Asn646=; no amino-acid change (asparagine 646 retained).
Molecular consequence: synonymous variant.
Genome position (GRCh38, 1-based): chr13:36,304,428, G>A on the plus strand (C>T on the coding strand, the complement: SPART is on the minus strand). VCF-style: chr13-36304428-G-A. GRCh37 (hg19) VCF-style: chr13-36878565-G-A.
Other names: c.1938C>T, p.Asn646= (NM_001142294.2, NM_001142295.2, NM_001142296.2).
Identifiers: ClinVar variation 699279 (VCV000699279.8), dbSNP rs751877879, ClinGen allele CA6949252.